The following is an entry in ClinVar:

NM_007272.3(CTRC):c.247C>G (p.Arg83Gly)

Gene: CTRC (chymotrypsin C; plus strand). Cytogenetic location: 1p36.21.
Variant type: single nucleotide variant.
Coding change: c.247C>G on transcript NM_007272.3 (MANE Select); coding-DNA position 247, C replaced by G.
Protein change: p.Arg83Gly; replaces arginine 83 with glycine.
Molecular consequence: missense variant.
Genome position (GRCh38, 1-based): chr1:15,442,463, C>G. VCF-style: chr1-15442463-C-G. GRCh37 (hg19) VCF-style: chr1-15768959-C-G.
Other names: short protein forms R83G.
Identifiers: ClinVar variation 660463 (VCV000660463.9), dbSNP rs747679121, ClinGen allele CA613292.

ClinVar aggregate classification (germline): Uncertain significance. Review status: criteria provided, multiple submitters, no conflicts (2 of 4 stars). 2 submissions from 2 submitters: Uncertain significance (2). Last evaluated 2024-04-12.

Conditions:
Hereditary pancreatitis (PCTT). Also called: PRSS1-Related Hereditary Pancreatitis; Hereditary chronic pancreatitis. Identifiers: Orphanet 676, MedGen C0238339, MONDO:0008185, OMIM 167800.

Allele frequency attached by ClinVar (database versions not stated): TOPMed 0.00001; gnomAD 0.00002.
gnomAD v4.1: 70 of 1,613,576 alleles (0.0043%); highest among the groups gnomAD compares: Non-Finnish European, 0.0054%; no homozygotes.

Submissions (2):

Ambry Genetics
Classification: Uncertain significance for Hereditary pancreatitis. Last evaluated: 2024-04-12. Review status: criteria provided, single submitter. Criteria: Ambry Variant Classification Scheme 2023. Collection method: clinical testing. Allele origin: germline.
Comment: The p.R83G variant (also known as c.247C>G), located in coding exon 4 of the CTRC gene, results from a C to G substitution at nucleotide position 247. The arginine at codon 83 is replaced by glycine, an amino acid with dissimilar properties. This amino acid position is highly conserved in available vertebrate species. In addition, this alteration is predicted to be deleterious by in silico analysis. Based on the available evidence, the clinical significance of this variant remains unclear.

Labcorp Genetics (formerly Invitae), Labcorp
Classification: Uncertain significance for Hereditary pancreatitis. Last evaluated: 2020-01-23. Review status: criteria provided, single submitter. Criteria: Invitae Variant Classification Sherloc (09022015). Collection method: clinical testing. Allele origin: germline.
Comment: Algorithms developed to predict the effect of missense changes on protein structure and function (SIFT, PolyPhen-2, Align-GVGD) all suggest that this variant is likely to be disruptive, but these predictions have not been confirmed by published functional studies and their clinical significance is uncertain. In summary, the available evidence is currently insufficient to determine the role of this variant in disease. Therefore, it has been classified as a Variant of Uncertain Significance. This sequence change replaces arginine with glycine at codon 83 of the CTRC protein (p.Arg83Gly). The arginine residue is highly conserved and there is a moderate physicochemical difference between arginine and glycine. This variant is present in population databases (rs747679121, ExAC 0.007%). This variant has not been reported in the literature in individuals with CTRC-related disease.